The following is an entry in ClinVar:

NM_005762.3(TRIM28):c.2046C>G (p.Leu682=)

Gene: TRIM28 (tripartite motif containing 28; plus strand). Cytogenetic location: 19q13.43.
Variant type: single nucleotide variant.
Coding change: c.2046C>G on transcript NM_005762.3 (MANE Select); coding-DNA position 2046, C replaced by G.
Protein change: p.Leu682=; no amino-acid change (leucine 682 retained).
Molecular consequence: synonymous variant.
Genome position (GRCh38, 1-based): chr19:58,549,800, C>G. VCF-style: chr19-58549800-C-G. GRCh37 (hg19) VCF-style: chr19-59061167-C-G.
Identifiers: ClinVar variation 4084820 (VCV004084820.8).

ClinVar aggregate classification (germline): Likely benign (1 of 4 stars; one submission).

Submission:

CeGaT Center for Human Genetics Tuebingen
Classification: Likely benign. Last evaluated: 2025-08-01. Review status: criteria provided, single submitter. Criteria: CeGaT Center For Human Genetics Tuebingen Variant Classification Criteria Version 2. Collection method: clinical testing. Allele origin: germline. Affected: yes. Observed: 1 variant allele.
Comment: TRIM28: PM2:Supporting, BP4, BP7